The following is an entry in ClinVar:

NM_015386.3(COG4):c.1369G>T (p.Asp457Tyr)

Gene: COG4 (component of oligomeric golgi complex 4; minus strand). Cytogenetic location: 16q22.1.
Variant type: single nucleotide variant.
Coding change: c.1369G>T on transcript NM_015386.3 (MANE Select); coding-DNA position 1369, G replaced by T.
Protein change: p.Asp457Tyr; replaces aspartic acid 457 with tyrosine.
Molecular consequence: missense variant. On other transcripts: non-coding transcript variant (1).
Genome position (GRCh38, 1-based): chr16:70,497,333, C>A on the plus strand (G>T on the coding strand, the complement: COG4 is on the minus strand). VCF-style: chr16-70497333-C-A. GRCh37 (hg19) VCF-style: chr16-70531236-C-A.
Other names: c.1357G>T, p.Asp453Tyr (NM_001195139.2); c.943G>T, p.Asp315Tyr (NM_001365426.1); short protein forms D457Y, D453Y, D315Y.
Identifiers: ClinVar variation 3652453 (VCV003652453.2).

ClinVar aggregate classification (germline): Uncertain significance (1 of 4 stars; one submission).

Conditions:
COG4-congenital disorder of glycosylation. Also called: COG4-CDG; CONGENITAL DISORDER OF GLYCOSYLATION, TYPE IIj; CDG IIj. Identifiers: Orphanet 263501, MedGen C4303552, MONDO:0013281, OMIM 613489.

Submission:

Labcorp Genetics (formerly Invitae), Labcorp
Classification: Uncertain significance for COG4-congenital disorder of glycosylation. Last evaluated: 2025-06-12. Review status: criteria provided, single submitter. Criteria: Invitae Variant Classification Sherloc (09022015). Collection method: clinical testing. Allele origin: germline.
Comment: This sequence change replaces aspartic acid, which is acidic and polar, with tyrosine, which is neutral and polar, at codon 457 of the COG4 protein (p.Asp457Tyr). This variant is not present in population databases (gnomAD no frequency). This variant has not been reported in the literature in individuals affected with COG4-related conditions. ClinVar contains an entry for this variant (Variation ID: 3652453). Invitae Evidence Modeling of protein sequence and biophysical properties (such as structural, functional, and spatial information, amino acid conservation, physicochemical variation, residue mobility, and thermodynamic stability) indicates that this missense variant is expected to disrupt COG4 protein function with a positive predictive value of 80%. In summary, the available evidence is currently insufficient to determine the role of this variant in disease. Therefore, it has been classified as a Variant of Uncertain Significance.